The following is an entry in ClinVar:

NM_000051.4(ATM):c.5897G>C (p.Ser1966Thr)

Genes: C11orf65 (chromosome 11 open reading frame 65; minus strand), ATM (ATM serine/threonine kinase; plus strand). Cytogenetic location: 11q22.3.
Variant type: single nucleotide variant.
Coding change: c.5897G>C on transcript NM_000051.4 (MANE Select); coding-DNA position 5897, G replaced by C.
Protein change: p.Ser1966Thr; replaces serine 1966 with threonine.
Molecular consequence: missense variant. On other transcripts: intron variant (2).
Genome position (GRCh38, 1-based): chr11:108,310,294, G>C. VCF-style: chr11-108310294-G-C. GRCh37 (hg19) VCF-style: chr11-108181021-G-C.
Other names: c.*39-1223C>G (NM_001351110.2); c.5897G>C, p.Ser1966Thr (NM_001351834.2); c.641-1223C>G (NM_001330368.2); short protein forms S1966T.
Identifiers: ClinVar variation 4758011 (VCV004758011.1).

ClinVar aggregate classification (germline): Uncertain significance (1 of 4 stars; one submission).

Conditions:
Hereditary cancer-predisposing syndrome. Also called: Tumor predisposition; Hereditary neoplastic syndrome; Hereditary Cancer Syndrome; Neoplastic Syndromes, Hereditary. Identifiers: Orphanet 140162, MedGen C0027672, MeSH D009386, MONDO:0015356.

Submission:

Color Diagnostics, LLC DBA Color Health
Classification: Uncertain significance for Hereditary cancer-predisposing syndrome. Last evaluated: 2025-08-14. Review status: criteria provided, single submitter. Criteria: ACMG Guidelines, 2015. Collection method: clinical testing. Allele origin: germline.
Comment: This missense variant replaces serine with threonine at codon 1966 of the ATM protein. Computational prediction suggests that this variant may not impact protein structure and function. To our knowledge, functional studies have not been reported for this variant. This variant has not been reported in individuals affected with ATM-related disorders in the literature. This variant has not been identified in the general population by the Genome Aggregation Database (gnomAD). The available evidence is insufficient to determine the role of this variant in disease conclusively. Therefore, this variant is classified as a Variant of Uncertain Significance.